The following is an entry in ClinVar:

ClinVar aggregate classification (germline): Uncertain significance (1 of 4 stars; one submission).

Conditions:
Duchenne muscular dystrophy (DMD). Also called: MUSCULAR DYSTROPHY, PSEUDOHYPERTROPHIC PROGRESSIVE, DUCHENNE TYPE; Duchenne Muscular Dystrophy (DMD). Identifiers: Orphanet 98896, MedGen C0013264, MONDO:0010679, OMIM 310200.

Submission:

Labcorp Genetics (formerly Invitae), Labcorp
Classification: Uncertain significance for Duchenne muscular dystrophy. Last evaluated: 2022-06-08. Review status: criteria provided, single submitter. Criteria: Invitae Variant Classification Sherloc (09022015). Collection method: clinical testing. Allele origin: germline.
Comment: In summary, the available evidence is currently insufficient to determine the role of this variant in disease. Therefore, it has been classified as a Variant of Uncertain Significance. Algorithms developed to predict the effect of missense changes on protein structure and function are either unavailable or do not agree on the potential impact of this missense change (SIFT: "Deleterious"; PolyPhen-2: "Possibly Damaging"; Align-GVGD: "Class C0"). This variant has not been reported in the literature in individuals affected with DMD-related conditions. This variant is not present in population databases (gnomAD no frequency). This sequence change replaces arginine, which is basic and polar, with tryptophan, which is neutral and slightly polar, at codon 1931 of the DMD protein (p.Arg1931Trp).

NM_004006.3(DMD):c.5791A>T (p.Arg1931Trp)

Gene: DMD (dystrophin; minus strand). Cytogenetic location: Xp21.1.
Variant type: single nucleotide variant.
Coding change: c.5791A>T on transcript NM_004006.3 (MANE Select); coding-DNA position 5791, A replaced by T.
Protein change: p.Arg1931Trp; replaces arginine 1931 with tryptophan.
Molecular consequence: missense variant.
Genome position (GRCh38, 1-based): chrX:32,342,231, T>A on the plus strand (A>T on the coding strand, the complement: DMD is on the minus strand). VCF-style: chrX-32342231-T-A. GRCh37 (hg19) VCF-style: chrX-32360348-T-A.
Other names: c.5767A>T, p.Arg1923Trp (NM_000109.4); c.5779A>T, p.Arg1927Trp (NM_004009.3); c.5422A>T, p.Arg1808Trp (NM_004010.3); c.1768A>T, p.Arg590Trp (NM_004011.4); c.1759A>T, p.Arg587Trp (NM_004012.4); short protein forms R1927W, R1923W, R587W, R1808W, R1931W, R590W.
Identifiers: ClinVar variation 1997316 (VCV001997316.4), dbSNP rs2521810377, ClinGen allele CA412665175.